The following is an entry in ClinVar:

NM_020686.6(ABAT):c.1331C>A (p.Thr444Asn)

Gene: ABAT (4-aminobutyrate aminotransferase; plus strand). Cytogenetic location: 16p13.2.
Variant type: single nucleotide variant.
Coding change: c.1331C>A on transcript NM_020686.6 (MANE Select); coding-DNA position 1331, C replaced by A.
Protein change: p.Thr444Asn; replaces threonine 444 with asparagine.
Molecular consequence: missense variant. On other transcripts: intron variant (1).
Genome position (GRCh38, 1-based): chr16:8,779,540, C>A. VCF-style: chr16-8779540-C-A. GRCh37 (hg19) VCF-style: chr16-8873397-C-A.
Other names: p.Thr444Asn; c.1331C>A, p.Thr444Asn (NM_000663.5, NM_001127448.2, NM_001386600.1 and 5 more transcripts); c.1292C>A, p.Thr431Asn (NM_001386605.1); c.1268C>A, p.Thr423Asn (NM_001386606.1, NM_001386607.1); c.1238C>A, p.Thr413Asn (NM_001386608.1); c.1196C>A, p.Thr399Asn (NM_001386610.1, NM_001386611.1); c.1133C>A, p.Thr378Asn (NM_001386612.1, NM_001386613.1); c.1085C>A, p.Thr362Asn (NM_001386614.1); and 2 more; short protein forms T362N, T378N, T399N, T413N, T423N, T431N, T444N, T476N.
Identifiers: ClinVar variation 3380370 (VCV003380370.1).
Genomic context (GRCh38, chr16:8,779,540, plus strand): 5'-CCCGGTACCCCCAGTTCATCAGCAGGGTGAGAGGACGAGGCACCTTTTGCTCCTTCGATA[C>A]TCCCGATGATTCCATACGGAATAAGCTCATTTTAATTGCCAGAAACAAAGGTAAGGGGTC-3'
Protein context (NP_065737.2, residues 434-454): RGRGTFCSFD[Thr444Asn]PDDSIRNKLI

ClinVar aggregate classification (germline): Uncertain significance (1 of 4 stars; one submission).

gnomAD v4.1: 5 of 1,614,180 alleles (0.00031%); highest among the groups gnomAD compares: Middle Eastern, 0.033%; no homozygotes.

Submission:

Mayo Clinic Laboratories, Mayo Clinic
Classification: Uncertain significance. Last evaluated: 2024-01-19. Review status: criteria provided, single submitter. Criteria: ACMG Guidelines, 2015. Collection method: clinical testing. Allele origin: germline. Observed: 1 variant allele.
Comment: PM2_moderate